The following is an entry in ClinVar:

ClinVar aggregate classification (germline): Likely pathogenic (1 of 4 stars; one submission).

Submission:

Labcorp Genetics (formerly Invitae), Labcorp
Classification: Likely pathogenic. Last evaluated: 2024-09-27. Review status: criteria provided, single submitter. Criteria: Invitae Variant Classification Sherloc (09022015). Collection method: clinical testing. Allele origin: germline.
Comment: This sequence change affects an acceptor splice site in intron 32 of the BRWD3 gene. It is expected to disrupt RNA splicing. Variants that disrupt the donor or acceptor splice site typically lead to a loss of protein function (PMID: 16199547), and loss-of-function variants in BRWD3 are known to be pathogenic (PMID: 17668385, 24462886). This variant is not present in population databases (gnomAD no frequency). This variant has not been reported in the literature in individuals affected with BRWD3-related conditions. Algorithms developed to predict the effect of sequence changes on RNA splicing suggest that this variant may disrupt the consensus splice site. In summary, the currently available evidence indicates that the variant is pathogenic, but additional data are needed to prove that conclusively. Therefore, this variant has been classified as Likely Pathogenic.

Literature cited by the submitters: PubMed 16199547; PubMed 17668385; PubMed 24462886.

NM_153252.5(BRWD3):c.3729-2A>G

Gene: BRWD3 (bromodomain and WD repeat domain containing 3; minus strand). Cytogenetic location: Xq21.1.
Variant type: single nucleotide variant.
Coding change: c.3729-2A>G on transcript NM_153252.5 (MANE Select); the canonical splice acceptor site of the intron before coding-DNA position 3729, A replaced by G.
Molecular consequence: splice acceptor variant.
Genome position (GRCh38, 1-based): chrX:80,689,848, T>C on the plus strand (A>G on the coding strand, the complement: BRWD3 is on the minus strand). VCF-style: chrX-80689848-T-C. GRCh37 (hg19) VCF-style: chrX-79945347-T-C.
Identifiers: ClinVar variation 3721633 (VCV003721633.2).